The following is an entry in ClinVar:

NM_020745.4(AARS2):c.914_917del (p.Tyr305fs)

Gene: AARS2 (alanyl-tRNA synthetase 2, mitochondrial; minus strand). Cytogenetic location: 6p21.1.
Variant type: Deletion.
Coding change: c.914_917del on transcript NM_020745.4 (MANE Select); coding-DNA positions 914 to 917, 4 bases deleted (ACTT; older notation c.914_917delACTT).
Protein change: p.Tyr305fs; shifts the reading frame from tyrosine 305.
Molecular consequence: frameshift variant.
Genome position (GRCh38, 1-based): chr6:44,307,372-44,307,375, AAGT deleted on the plus strand (ACTT on the coding strand, the reverse complement: AARS2 is on the minus strand); deleting any 4 consecutive bases within chr6:44,307,372-44,307,378 gives the same sequence; the c. name uses the placement nearest the transcript's 3' end. VCF-style (leftmost placement, unchanged base first): chr6-44307371-CAAGT-C. GRCh37 (hg19) VCF-style: chr6-44275108-CAAGT-C.
Other names: short protein forms Y305fs.
Identifiers: ClinVar variation 2633838 (VCV002633838.1), dbSNP rs1785953131, ClinGen allele CA1624924219.
Genomic context (GRCh38, chr6:44,307,371, plus strand): 5'-GTCAGCCACCACGCGGTACGCTGTGTCTGTGCGCCCCTCGTCTGCCACCCCTACTCGGCC[CAAGT>C]AAGGGGGTGCCCTGCAGCCCTGGGAAGCAGAAGAGTCAGCCAGTGGCCCTGCCTGACCTG-3'

ClinVar aggregate classification (germline): Likely pathogenic (1 of 4 stars; one submission).

Conditions:
AARS2-related disorder. Also called: AARS2-related condition; AARS2-related disorders. Identifiers: MedGen CN381518, MONDO:1060240.

Submission:

PreventionGenetics, part of Exact Sciences
Classification: Likely pathogenic for AARS2-related condition. Last evaluated: 2023-03-16. Review status: criteria provided, single submitter. Criteria: ACMG Guidelines, 2015. Collection method: clinical testing. Allele origin: germline.
Comment: The AARS2 c.914_917delACTT variant is predicted to result in a frameshift and premature protein termination (p.Tyr305Trpfs*4). To our knowledge, this variant has not been reported in the literature or in a large population database, indicating this variant is rare. Frameshift variants in AARS2 are expected to be pathogenic. This variant is interpreted as likely pathogenic.